The following is an entry in ClinVar:

ClinVar aggregate classification (germline): Likely benign (1 of 4 stars; one submission).

Allele frequency attached by ClinVar (database versions not stated): gnomAD exomes 0.00090; 1000 Genomes Project 30x 0.00812; 1000 Genomes Project 0.00839; gnomAD 0.00918; TOPMed 0.01005.
gnomAD v4.1: 2,569 of 1,414,614 alleles (0.18%); highest among the groups gnomAD compares: African/African-American, 3.3%; 45 homozygotes.

Submission:

GeneDx
Classification: Likely benign. Last evaluated: 2021-05-24. Review status: criteria provided, single submitter. Criteria: GeneDx Variant Classification Process June 2021. Collection method: clinical testing. Allele origin: germline. Affected: yes.
Comment: See Variant Classification Assertion Criteria.

NM_000395.3(CSF2RB):c.1012+103T>C

Gene: CSF2RB (colony stimulating factor 2 receptor subunit beta; plus strand). Cytogenetic location: 22q12.3.
Variant type: single nucleotide variant.
Coding change: c.1012+103T>C on transcript NM_000395.3 (MANE Select); 103 bases into the intron after coding-DNA position 1012, T replaced by C.
Molecular consequence: intron variant.
Genome position (GRCh38, 1-based): chr22:36,930,933, T>C. VCF-style: chr22-36930933-T-C. GRCh37 (hg19) VCF-style: chr22-37326975-T-C.
Identifiers: ClinVar variation 1707250 (VCV001707250.2), dbSNP rs79755961, ClinGen allele CA323994695.